The following is an entry in ClinVar:

ClinVar aggregate classification (germline): Likely pathogenic (1 of 4 stars; one submission).

Submission:

Labcorp Genetics (formerly Invitae), Labcorp
Classification: Likely pathogenic. Last evaluated: 2019-11-07. Review status: criteria provided, single submitter. Criteria: Invitae Variant Classification Sherloc (09022015). Collection method: clinical testing. Allele origin: germline.
Comment: This sequence change replaces glycine with arginine at codon 371 of the COL4A5 protein (p.Gly371Arg). The glycine residue is moderately conserved and there is a moderate physicochemical difference between glycine and arginine. This variant is not present in population databases (ExAC no frequency). This variant has been observed in individual(s) with Alport syndrome (Invitae). In summary, the currently available evidence indicates that the variant is pathogenic, but additional data are needed to prove that conclusively. Therefore, this variant has been classified as Likely Pathogenic. Glycine residues within the Gly-Xaa-Yaa repeats of the triple helix domain are required for the structure and stability of fibrillar collagens (PMID: 7695699, 8218237, 19344236). In COL4A5, missense variants at these glycine residues are significantly enriched in individuals with disease (PMID: 23720012, 27627812) compared to the general population (ExAC).

Literature cited by the submitters: PubMed 7695699; PubMed 8218237; PubMed 19344236; PubMed 23720012; PubMed 27627812.

NM_033380.3(COL4A5):c.1111G>C (p.Gly371Arg)

Gene: COL4A5 (collagen type IV alpha 5 chain; plus strand). Cytogenetic location: Xq22.3.
Variant type: single nucleotide variant.
Coding change: c.1111G>C on transcript NM_033380.3 (MANE Select); coding-DNA position 1111, G replaced by C.
Protein change: p.Gly371Arg; replaces glycine 371 with arginine.
Molecular consequence: missense variant.
Genome position (GRCh38, 1-based): chrX:108,586,693, G>C. VCF-style: chrX-108586693-G-C. GRCh37 (hg19) VCF-style: chrX-107829923-G-C.
Other names: c.1111G>C, p.Gly371Arg (NM_000495.5); short protein forms G371R.
Identifiers: ClinVar variation 972323 (VCV000972323.9), dbSNP rs878853015, ClinGen allele CA413930622.